The following is an entry in ClinVar:

NM_139276.3(STAT3):c.1854C>T (p.Gly618=)

Gene: STAT3 (signal transducer and activator of transcription 3; minus strand). Cytogenetic location: 17q21.2.
Variant type: single nucleotide variant.
Coding change: c.1854C>T on transcript NM_139276.3 (MANE Select); coding-DNA position 1854, C replaced by T.
Protein change: p.Gly618=; no amino-acid change (glycine 618 retained).
Molecular consequence: synonymous variant.
Genome position (GRCh38, 1-based): chr17:42,323,038, G>A on the plus strand (C>T on the coding strand, the complement: STAT3 is on the minus strand). VCF-style: chr17-42323038-G-A. GRCh37 (hg19) VCF-style: chr17-40475056-G-A.
Other names: p.Gly618=; c.1854C>T, p.Gly618= (NM_001369512.1, NM_001369513.1, NM_001369514.1 and 9 more transcripts); c.1770C>T, p.Gly590= (NM_001384984.1); c.1776C>T, p.Gly592= (NM_001384985.1); c.1869C>T, p.Gly623= (NM_001384986.1, NM_001384990.1); c.1833C>T, p.Gly611= (NM_001384987.1); c.1758C>T, p.Gly586= (NM_001384989.1); c.1827C>T, p.Gly609= (NM_001384991.1); and 1 more.
Identifiers: ClinVar variation 323243 (VCV000323243.22), dbSNP rs117691970, ClinGen allele CA8575208.

ClinVar aggregate classification (germline): Benign. Review status: criteria provided, multiple submitters, no conflicts (2 of 4 stars). 7 submissions from 7 submitters: Benign (7). Last evaluated 2026-02-04.

Conditions:
Hyper-IgE recurrent infection syndrome 1, autosomal dominant. Also called: HYPER-IgE SYNDROME 1, AUTOSOMAL DOMINANT, WITH RECURRENT INFECTIONS; JOB SYNDROME; Job's Syndrome; STAT3 Hyper IgE Syndrome; Hyper-IgE recurrent infection syndrome 1. Identifiers: Orphanet 2314, MedGen C2936739, MONDO:0007818, OMIM 147060.
STAT3 gain of function. Identifiers: MedGen C4288261.

Allele frequency attached by ClinVar (database versions not stated): gnomAD 0.00089 and 0.00136; gnomAD exomes 0.00116 and 0.00360; TOPMed 0.00185; ExAC 0.00373; 1000 Genomes Project 30x 0.00750; 1000 Genomes Project 0.00759.
gnomAD v4.1: 1,961 of 1,614,176 alleles (0.12%); highest among the groups gnomAD compares: East Asian, 3.2%; 33 homozygotes.

Submissions (7):

Labcorp Genetics (formerly Invitae), Labcorp
Classification: Benign for STAT3 gain of function; Hyper-IgE recurrent infection syndrome 1, autosomal dominant. Last evaluated: 2026-02-04. Review status: criteria provided, single submitter. Criteria: Invitae Variant Classification Sherloc (09022015). Collection method: clinical testing. Allele origin: germline.

Mayo Clinic Laboratories, Mayo Clinic
Classification: Benign. Last evaluated: 2024-11-11. Review status: criteria provided, single submitter. Criteria: ACMG Guidelines, 2015. Collection method: clinical testing. Allele origin: germline. Observed: 2 variant alleles.
Comment: BS1, BS2, BP4, BP7

ARUP Laboratories, Molecular Genetics and Genomics, ARUP Laboratories
Classification: Benign. Last evaluated: 2024-08-16. Review status: criteria provided, single submitter. Criteria: ARUP Molecular Germline Variant Investigation Process 2024. Collection method: clinical testing. Allele origin: germline.

Genetic Services Laboratory, University of Chicago
Classification: Benign. Last evaluated: 2020-04-09. Review status: criteria provided, single submitter. Criteria: ACMG Guidelines, 2015. Collection method: clinical testing. Allele origin: germline. Affected: no.

Illumina Laboratory Services, Illumina
Classification: Benign for Hyper-IgE recurrent infection syndrome 1, autosomal dominant. Last evaluated: 2018-01-13. Review status: criteria provided, single submitter. Criteria: ICSL Variant Classification Criteria 13 December 2019. Collection method: clinical testing. Allele origin: germline.
Comment: This variant was observed in the ICSL laboratory as part of a predisposition screen in an ostensibly healthy population. It had not been previously curated by ICSL or reported in the Human Gene Mutation Database (HGMD: prior to June 1st, 2018), and was therefore a candidate for classification through an automated scoring system. Utilizing variant allele frequency, disease prevalence and penetrance estimates, and inheritance mode, an automated score was calculated to assess if this variant is too frequent to cause the disease. Based on the score and internal cut-off values, a variant classified as benign is not then subjected to further curation. The score for this variant resulted in a classification of benign for this disease.

GeneDx
Classification: Benign. Last evaluated: 2015-03-03. Review status: criteria provided, single submitter. Criteria: GeneDx Variant Classification Process June 2021. Collection method: clinical testing. Allele origin: germline. Affected: yes.

Breakthrough Genomics
Classification: Benign. Review status: criteria provided, single submitter. Criteria: ACMG Guidelines, 2015. Collection method: not provided. Allele origin: germline. Inheritance: Autosomal dominant inheritance. Affected: yes.